The following is an entry in ClinVar:

ClinVar aggregate classification (germline): Uncertain significance (1 of 4 stars; one submission).

Allele frequency attached by ClinVar (database versions not stated): gnomAD exomes below 0.00001.

Submission:

Labcorp Genetics (formerly Invitae), Labcorp
Classification: Uncertain significance. Last evaluated: 2020-10-02. Review status: criteria provided, single submitter. Criteria: Invitae Variant Classification Sherloc (09022015). Collection method: clinical testing. Allele origin: germline.
Comment: In summary, the available evidence is currently insufficient to determine the role of this variant in disease. Therefore, it has been classified as a Variant of Uncertain Significance. This variant has not been reported in the literature in individuals with ADAMTS18-related conditions. Algorithms developed to predict the effect of missense changes on protein structure and function are either unavailable or do not agree on the potential impact of this missense change (SIFT: "Not Available"; PolyPhen-2: "Probably Damaging"; Align-GVGD: "Not Available"). This variant is not present in population databases (ExAC no frequency). This sequence change replaces arginine with glutamine at codon 88 of the ADAMTS18 protein (p.Arg88Gln). The arginine residue is highly conserved and there is a small physicochemical difference between arginine and glutamine.

NM_199355.4(ADAMTS18):c.263G>A (p.Arg88Gln)

Gene: ADAMTS18 (ADAM metallopeptidase with thrombospondin type 1 motif 18; minus strand). Cytogenetic location: 16q23.1.
Variant type: single nucleotide variant.
Coding change: c.263G>A on transcript NM_199355.4 (MANE Select); coding-DNA position 263, G replaced by A.
Protein change: p.Arg88Gln; replaces arginine 88 with glutamine.
Molecular consequence: missense variant. On other transcripts: 5 prime UTR variant (1).
Genome position (GRCh38, 1-based): chr16:77,431,527, C>T on the plus strand (G>A on the coding strand, the complement: ADAMTS18 is on the minus strand). VCF-style: chr16-77431527-C-T. GRCh37 (hg19) VCF-style: chr16-77465424-C-T.
Other names: c.-258G>A (NM_001326358.2); short protein forms R88Q.
Identifiers: ClinVar variation 1001057 (VCV001001057.7), dbSNP rs1206732643, ClinGen allele CA396851465.